The following is an entry in ClinVar:

ClinVar aggregate classification (germline): Pathogenic (1 of 4 stars; one submission).

Conditions:
Hereditary diffuse gastric adenocarcinoma (HDGC). Also called: DIFFUSE GASTRIC AND LOBULAR BREAST CANCER SYNDROME. Identifiers: Orphanet 26106, MedGen C1708349, MONDO:0007648, OMIM 137215.

Submission:

Labcorp Genetics (formerly Invitae), Labcorp
Classification: Pathogenic for Hereditary diffuse gastric adenocarcinoma. Last evaluated: 2022-12-15. Review status: criteria provided, single submitter. Criteria: Invitae Variant Classification Sherloc (09022015). Collection method: clinical testing. Allele origin: germline.
Comment: For these reasons, this variant has been classified as Pathogenic. This variant has not been reported in the literature in individuals affected with CDH1-related conditions. This variant is not present in population databases (gnomAD no frequency). This sequence change creates a premature translational stop signal (p.Lys215Glufs*8) in the CDH1 gene. It is expected to result in an absent or disrupted protein product. Loss-of-function variants in CDH1 are known to be pathogenic (PMID: 15235021, 20373070).

Literature cited by the submitters: PubMed 15235021; PubMed 20373070.

NM_004360.5(CDH1):c.641dup (p.Lys215fs)

Gene: CDH1 (cadherin 1; plus strand). Cytogenetic location: 16q22.1.
Variant type: Duplication.
Coding change: c.641dup on transcript NM_004360.5 (MANE Select); coding-DNA position 641, one base duplicated (T; older notation c.641dupT).
Protein change: p.Lys215fs; shifts the reading frame from lysine 215.
Molecular consequence: frameshift variant. On other transcripts: 5 prime UTR variant (2).
Genome position (GRCh38, 1-based): chr16:68,808,802, T duplicated. VCF-style (leftmost placement, unchanged base first): chr16-68808801-C-CT. GRCh37 (hg19) VCF-style: chr16-68842704-C-CT.
Other names: c.641dup, p.Lys215fs (NM_001317184.2); c.-975dup (NM_001317185.2); c.-1179dup (NM_001317186.2); short protein forms K215fs.
Identifiers: ClinVar variation 2035920 (VCV002035920.4), dbSNP rs2543916267, ClinGen allele CA2580091941.